The following is an entry in ClinVar:

ClinVar aggregate classification (germline): Uncertain significance (1 of 4 stars; one submission).

Conditions:
Muscular dystrophy-dystroglycanopathy (congenital with brain and eye anomalies), type A2. Also called: MUSCULAR DYSTROPHY-DYSTROGLYCANOPATHY (CONGENITAL WITH BRAIN AND EYE ANOMALIES), TYPE A, 2; WALKER-WARBURG SYNDROME OR MUSCLE-EYE-BRAIN DISEASE, POMT2-RELATED. Identifiers: Orphanet 588, Orphanet 899, MedGen C3150411, MONDO:0013154, OMIM 613150.
Muscular dystrophy-dystroglycanopathy (congenital with impaired intellectual development), type B, 2. Also called: MUSCULAR DYSTROPHY, CONGENITAL, POMT2-RELATED; Muscular dystrophy-dystroglycanopathy (congenital with intellectual disability), type B2. Identifiers: MedGen C3150416, MONDO:0013160, OMIM 613156.
Autosomal recessive limb-girdle muscular dystrophy type 2N. Also called: Muscular dystrophy-dystroglycanopathy (limb-girdle), type C, 2; MUSCULAR DYSTROPHY-DYSTROGLYCANOPATHY, LIMB-GIRDLE, POMT2-RELATED. Identifiers: Orphanet 206559, MedGen C3150418, MONDO:0013162, OMIM 613158.

Allele frequency attached by ClinVar (database versions not stated): gnomAD exomes 0.00001; TOPMed 0.00001.
gnomAD v4.1: 19 of 1,613,752 alleles (0.0012%); highest among the groups gnomAD compares: Non-Finnish European, 0.0015%; no homozygotes.

Submission:

Labcorp Genetics (formerly Invitae), Labcorp
Classification: Uncertain significance for Muscular dystrophy-dystroglycanopathy (congenital with impaired intellectual development), type B, 2; Muscular dystrophy-dystroglycanopathy (congenital with brain and eye anomalies), type A2; Autosomal recessive limb-girdle muscular dystrophy type 2N. Last evaluated: 2026-01-27. Review status: criteria provided, single submitter. Criteria: Invitae Variant Classification Sherloc (09022015). Collection method: clinical testing. Allele origin: germline.
Comment: This sequence change replaces alanine, which is neutral and non-polar, with valine, which is neutral and non-polar, at codon 724 of the POMT2 protein (p.Ala724Val). This variant is present in population databases (no rsID available, gnomAD 0.003%). This variant has not been reported in the literature in individuals affected with POMT2-related conditions. ClinVar contains an entry for this variant (Variation ID: 1041624). Invitae Evidence Modeling of protein sequence and biophysical properties (such as structural, functional, and spatial information, amino acid conservation, physicochemical variation, residue mobility, and thermodynamic stability) indicates that this missense variant is not expected to disrupt POMT2 protein function with a negative predictive value of 95%. In summary, the available evidence is currently insufficient to determine the role of this variant in disease. Therefore, it has been classified as a Variant of Uncertain Significance.

NM_013382.7(POMT2):c.2171C>T (p.Ala724Val)

Gene: POMT2 (protein O-mannosyltransferase 2; minus strand). Cytogenetic location: 14q24.3.
Variant type: single nucleotide variant.
Coding change: c.2171C>T on transcript NM_013382.7 (MANE Select); coding-DNA position 2171, C replaced by T.
Protein change: p.Ala724Val; replaces alanine 724 with valine.
Molecular consequence: missense variant.
Genome position (GRCh38, 1-based): chr14:77,277,458, G>A on the plus strand (C>T on the coding strand, the complement: POMT2 is on the minus strand). VCF-style: chr14-77277458-G-A. GRCh37 (hg19) VCF-style: chr14-77743801-G-A.
Other names: short protein forms A724V.
Identifiers: ClinVar variation 1041624 (VCV001041624.7), dbSNP rs1413994990, ClinGen allele CA390512693.
Genomic context (GRCh38, chr14:77,277,458, plus strand): 5'-CACCTTAGTCCTGCCATTGGACTTTGGGGGTCCTGGGCCAGGGGACCAACCATCCCGTAA[G>A]CCAGAGGGTGGAAGAGGTAGAAGCTGTGAGAGAGAACCAGTAGGAGGCAGTTGGCACCCC-3'
Protein context (NP_037514.2, residues 714-734): AYSFYLFHPL[Ala724Val]YGMVGPLAQD